The following is an entry in ClinVar:

NC_000009.11:g.(36249395_36276890)_(36277054_?)dup

Gene: GNE (glucosamine (UDP-N-acetyl)-2-epimerase/N-acetylmannosamine kinase; minus strand). Cytogenetic location: 9p13.3.
Variant type: Duplication.
Identifiers: ClinVar variation 1677183 (VCV001677183.3).

ClinVar aggregate classification (germline): Uncertain significance (1 of 4 stars; one submission).

Submission:

Women's Health and Genetics/Laboratory Corporation of America, LabCorp
Classification: Uncertain significance. Last evaluated: 2023-08-01. Review status: criteria provided, single submitter. Criteria: LabCorp Variant Classification Summary - May 2015. Collection method: clinical testing. Allele origin: germline.
Comment: Variant summary: The variant identified by MLPA or other technology involves the duplication of exon 1 in the GNE gene, which contains the initiation codon. The exact breakpoint at the 5' end of this variant is unknown and therefore this duplication might extend upsream of the assayed region of the GNE gene. A presumed nomenclature of c.(?_-113)_(51+1_52-1)dup has been designated for the purposes of this classification. It has been assumed that this is a tandem duplication in direct orientation (Richardson_GIM_2018, Newman_AJHG_2015). Since the exact breakpoints of this duplication are not known, it is not possible to predict if it causes an in-frame or an out-of-frame product. A variant involving the duplication of exon 1 together with a large DNA segment (~ 2.2 kb) upstream of the gene was found at a frequency of 0.00046 in 21694 control chromosomes (gnomAD database, Structural Variants dataset). This frequency is not significantly higher than estimated for a pathogenic variant in GNE causing Inclusion Body Myopathy 2 (0.00046 vs 0.0011), allowing no conclusion about variant significance. To our knowledge, no occurrence of c.(?_-113)_(51+1_52-1)dup in individuals affected with Inclusion Body Myopathy 2 and no experimental evidence demonstrating its impact on protein function have been reported. Two submitters have reported clinical-significance assessments for this variant to ClinVar after 2014, and both submitters classified the variant as uncertain significance. In conclusion, while it may be assumed that duplication variants including a large DNA segment upstream of the gene (i.e., containing essential promoter and regulatory elements) might result in regular transcription initiation leading to in an intact protein product, shorter tandem duplication variants involving the first exon, could result in a frameshift or in-frame duplication change causing disease. Since it is not possible to distinguish between these two outcomes in the context of this evaluation, the variant was classified as uncertain significance.